The following is an entry in ClinVar:

NM_021942.6(TRAPPC11):c.2761T>G (p.Ser921Ala)

Gene: TRAPPC11 (trafficking protein particle complex subunit 11; plus strand). Cytogenetic location: 4q35.1.
Variant type: single nucleotide variant.
Coding change: c.2761T>G on transcript NM_021942.6 (MANE Select); coding-DNA position 2761, T replaced by G.
Protein change: p.Ser921Ala; replaces serine 921 with alanine.
Molecular consequence: missense variant.
Genome position (GRCh38, 1-based): chr4:183,697,745, T>G. VCF-style: chr4-183697745-T-G. GRCh37 (hg19) VCF-style: chr4-184618898-T-G.
Other names: c.2761T>G, p.Ser921Ala (NM_199053.3); c.2761T>G (NM_021942.4); short protein forms S921A.
Identifiers: ClinVar variation 1396076 (VCV001396076.10), dbSNP rs755600230, ClinGen allele CA3152312.

ClinVar aggregate classification (germline): Uncertain significance. Review status: criteria provided, multiple submitters, no conflicts (2 of 4 stars). 3 submissions from 3 submitters: Uncertain significance (3). Last evaluated 2025-10-02.

Conditions:
Autosomal recessive limb-girdle muscular dystrophy type R18 (LGMDR18). Also called: MUSCULAR DYSTROPHY, LIMB-GIRDLE, AUTOSOMAL RECESSIVE 18; Limb-girdle muscular dystrophy, type 2S; Autosomal recessive limb-girdle muscular dystrophy type 2S. Identifiers: Orphanet 369840, MedGen C4517996, MONDO:0014144, OMIM 615356.
Inborn genetic diseases. Identifiers: MedGen C0950123, MeSH D030342.

Allele frequency attached by ClinVar (database versions not stated): gnomAD 0.00001; gnomAD exomes 0.00001 and 0.00002; ExAC 0.00002; TOPMed 0.00002.
gnomAD v4.1: 22 of 1,614,052 alleles (0.0014%); highest among the groups gnomAD compares: Non-Finnish European, 0.0019%; no homozygotes.

Submissions (3):

Labcorp Genetics (formerly Invitae), Labcorp
Classification: Uncertain significance for Autosomal recessive limb-girdle muscular dystrophy type R18. Last evaluated: 2025-10-02. Review status: criteria provided, single submitter. Criteria: Invitae Variant Classification Sherloc (09022015). Collection method: clinical testing. Allele origin: germline.
Comment: This sequence change replaces serine, which is neutral and polar, with alanine, which is neutral and non-polar, at codon 921 of the TRAPPC11 protein (p.Ser921Ala). This variant is present in population databases (rs755600230, gnomAD 0.004%). This variant has not been reported in the literature in individuals affected with TRAPPC11-related conditions. ClinVar contains an entry for this variant (Variation ID: 1396076). Invitae Evidence Modeling of protein sequence and biophysical properties (such as structural, functional, and spatial information, amino acid conservation, physicochemical variation, residue mobility, and thermodynamic stability) indicates that this missense variant is not expected to disrupt TRAPPC11 protein function with a negative predictive value of 80%. In summary, the available evidence is currently insufficient to determine the role of this variant in disease. Therefore, it has been classified as a Variant of Uncertain Significance.

Ambry Genetics
Classification: Uncertain significance for Inborn genetic diseases. Last evaluated: 2024-10-07. Review status: criteria provided, single submitter. Criteria: Ambry Variant Classification Scheme 2023. Collection method: clinical testing. Allele origin: germline.

Revvity Omics, Revvity
Classification: Uncertain significance for Autosomal recessive limb-girdle muscular dystrophy type R18. Last evaluated: 2023-05-02. Review status: criteria provided, single submitter. Criteria: ACMG Guidelines, 2015. Collection method: clinical testing. Allele origin: germline.